The following is an entry in ClinVar:

NM_003072.5(SMARCA4):c.4534-19C>T

Gene: SMARCA4 (SWI/SNF related BAF chromatin remodeling complex subunit ATPase 4; plus strand). Cytogenetic location: 19p13.2.
Variant type: single nucleotide variant.
Coding change: c.4534-19C>T on transcript NM_003072.5 (MANE Select); 19 bases into the intron before coding-DNA position 4534, C replaced by T.
Molecular consequence: intron variant.
Genome position (GRCh38, 1-based): chr19:11,058,769, C>T. VCF-style: chr19-11058769-C-T. GRCh37 (hg19) VCF-style: chr19-11169445-C-T.
Other names: c.4534-19C>T (NM_001128844.3); c.4630-19C>T (NM_001128849.3, NM_001387283.1); c.4435-19C>T (NM_001128847.4, NM_001374457.1); c.4444-19C>T (NM_001128845.2); c.4441-19C>T (NM_001128846.2); c.4432-19C>T (NM_001128848.2).
Identifiers: ClinVar variation 2161171 (VCV002161171.5), dbSNP rs1248413872, ClinGen allele CA631769282.

ClinVar aggregate classification (germline): Benign/Likely benign. Review status: criteria provided, multiple submitters, no conflicts (2 of 4 stars). 2 submissions from 2 submitters: Benign (1); Likely benign (1). Last evaluated 2026-07-23.

Conditions:
Rhabdoid tumor predisposition syndrome 2 (RTPS2). Identifiers: Orphanet 231108, Orphanet 69077, MedGen C2750074, MONDO:0013224, OMIM 613325.

Allele frequency attached by ClinVar (database versions not stated): gnomAD exomes below 0.00001; TOPMed 0.00001; gnomAD 0.00001.
gnomAD v4.1: 7 of 1,608,936 alleles (0.00044%); highest among the groups gnomAD compares: Non-Finnish European, 0.0006%; no homozygotes.

Submissions (2):

Myriad Genetics, Inc.
Classification: Benign for Rhabdoid tumor predisposition syndrome 2. Last evaluated: 2026-07-23. Review status: criteria provided, single submitter. Criteria: Myriad Autosomal Dominant, Autosomal Recessive and X-Linked Classification Criteria (2023). Collection method: clinical testing. Allele origin: unknown.
Comment: This variant is considered benign. This variant is intronic and is not expected to impact mRNA splicing. This variant has been observed at a population frequency that is significantly greater than expected given the associated disease prevalence and penetrance.

Labcorp Genetics (formerly Invitae), Labcorp
Classification: Likely benign for Rhabdoid tumor predisposition syndrome 2. Last evaluated: 2025-12-10. Review status: criteria provided, single submitter. Criteria: Invitae Variant Classification Sherloc (09022015). Collection method: clinical testing. Allele origin: germline.